The following is an entry in ClinVar:

NM_000069.3(CACNA1S):c.1796A>G (p.Asn599Ser)

Gene: CACNA1S (calcium voltage-gated channel subunit alpha1 S; minus strand). Cytogenetic location: 1q32.1.
Variant type: single nucleotide variant.
Coding change: c.1796A>G on transcript NM_000069.3 (MANE Select); coding-DNA position 1796, A replaced by G.
Protein change: p.Asn599Ser; replaces asparagine 599 with serine.
Molecular consequence: missense variant.
Genome position (GRCh38, 1-based): chr1:201,076,951, T>C on the plus strand (A>G on the coding strand, the complement: CACNA1S is on the minus strand). VCF-style: chr1-201076951-T-C. GRCh37 (hg19) VCF-style: chr1-201046079-T-C.
Other names: short protein forms N599S.
Identifiers: ClinVar variation 4537922 (VCV004537922.1).
Genomic context (GRCh38, chr1:201,076,951, plus strand): 5'-AAGGAGGGACACGCAGAGGGAGAGCCTACCTGGAAGACGCTGATGAGGGCTTGGGGAAAG[T>C]TGTCAAAGTTGCTGCGCCGTACTTCTGTGTCTTCAAAGTCATACCTCCCCCCAAAGAGCT-3'
Protein context (NP_000060.2, residues 589-609): DTEVRRSNFD[Asn599Ser]FPQALISVFQ

ClinVar aggregate classification (germline): Uncertain significance (1 of 4 stars; one submission).

gnomAD v4.1: 2 of 1,613,912 alleles (0.00012%); highest among the groups gnomAD compares: African/African-American, 0.0013%; no homozygotes.

Submission:

GeneDx
Classification: Uncertain significance. Last evaluated: 2025-06-15. Review status: criteria provided, single submitter. Criteria: GeneDx Variant Classification Process June 2021. Collection method: clinical testing. Allele origin: germline. Affected: yes.
Comment: Not observed at significant frequency in large population cohorts (gnomAD); In silico analysis supports that this missense variant has a deleterious effect on protein structure/function; Has not been previously published as pathogenic or benign to our knowledge